The following is an entry in ClinVar:

ClinVar aggregate classification (germline): Uncertain significance (1 of 4 stars; one submission).

Conditions:
Zellweger spectrum disorders (ZS). Also called: Zellweger syndrome; Zellweger Spectrum Disorder; Zellweger Spectrum; Zellweger Spectrum Disorder (ZSD). Identifiers: Orphanet 912, MedGen C0043459, MONDO:0019609.

Allele frequency attached by ClinVar (database versions not stated): gnomAD exomes below 0.00001; TOPMed below 0.00001.
gnomAD v4.1: 6 of 1,613,984 alleles (0.00037%); highest among the groups gnomAD compares: Non-Finnish European, 0.00051%; no homozygotes.

Submission:

Labcorp Genetics (formerly Invitae), Labcorp
Classification: Uncertain significance for Zellweger spectrum disorders. Last evaluated: 2022-05-05. Review status: criteria provided, single submitter. Criteria: Invitae Variant Classification Sherloc (09022015). Collection method: clinical testing. Allele origin: germline.
Comment: This sequence change replaces histidine, which is basic and polar, with tyrosine, which is neutral and polar, at codon 793 of the PEX1 protein (p.His793Tyr). This variant is present in population databases (no rsID available, gnomAD 0.0009%). This variant has not been reported in the literature in individuals affected with PEX1-related conditions. Algorithms developed to predict the effect of missense changes on protein structure and function (SIFT, PolyPhen-2, Align-GVGD) all suggest that this variant is likely to be tolerated. In summary, the available evidence is currently insufficient to determine the role of this variant in disease. Therefore, it has been classified as a Variant of Uncertain Significance.

NM_000466.3(PEX1):c.2377C>T (p.His793Tyr)

Gene: PEX1 (peroxisomal biogenesis factor 1; minus strand). Cytogenetic location: 7q21.2.
Variant type: single nucleotide variant.
Coding change: c.2377C>T on transcript NM_000466.3 (MANE Select); coding-DNA position 2377, C replaced by T.
Protein change: p.His793Tyr; replaces histidine 793 with tyrosine.
Molecular consequence: missense variant.
Genome position (GRCh38, 1-based): chr7:92,501,929, G>A on the plus strand (C>T on the coding strand, the complement: PEX1 is on the minus strand). VCF-style: chr7-92501929-G-A. GRCh37 (hg19) VCF-style: chr7-92131243-G-A.
Other names: c.2206C>T, p.His736Tyr (NM_001282677.2); c.1753C>T, p.His585Tyr (NM_001282678.2); short protein forms H793Y, H736Y, H585Y.
Identifiers: ClinVar variation 2134248 (VCV002134248.1), dbSNP rs1476014977, ClinGen allele CA368177268.